The following is an entry in ClinVar:

NM_006231.4(POLE):c.5378+1G>T

Gene: POLE (DNA polymerase epsilon, catalytic subunit; minus strand). Cytogenetic location: 12q24.33.
Variant type: single nucleotide variant.
Coding change: c.5378+1G>T on transcript NM_006231.4 (MANE Select); the canonical splice donor site of the intron after coding-DNA position 5378, G replaced by T.
Molecular consequence: splice donor variant.
Genome position (GRCh38, 1-based): chr12:132,641,646, C>A on the plus strand (G>T on the coding strand, the complement: POLE is on the minus strand). VCF-style: chr12-132641646-C-A. GRCh37 (hg19) VCF-style: chr12-133218232-C-A.
Other names: c.5378+1G>T (NM_006231.2).
Identifiers: ClinVar variation 560846 (VCV000560846.8), dbSNP rs747165215, ClinGen allele CA6892555.

ClinVar aggregate classification (germline): Conflicting classifications of pathogenicity. Review status: criteria provided, conflicting classifications (1 of 4 stars). 3 submissions from 3 submitters: Likely pathogenic (1); Uncertain significance (2). Last evaluated 2025-09-10.

Conditions:
Hereditary cancer-predisposing syndrome. Also called: Hereditary neoplastic syndrome; Neoplastic Syndromes, Hereditary; Tumor predisposition; Hereditary Cancer Syndrome. Identifiers: Orphanet 140162, MedGen C0027672, MeSH D009386, MONDO:0015356.

Allele frequency attached by ClinVar (database versions not stated): gnomAD exomes below 0.00001; ExAC 0.00001; TOPMed 0.00001.
gnomAD v4.1: 1 of 1,613,356 alleles (0.000062%); highest among the groups gnomAD compares: Admixed American, 0.0017%; no homozygotes.

Submissions (3):

Labcorp Genetics (formerly Invitae), Labcorp
Classification: Likely pathogenic. Last evaluated: 2025-09-10. Review status: criteria provided, single submitter. Criteria: Invitae Variant Classification Sherloc (09022015). Collection method: clinical testing. Allele origin: germline.
Comment: This sequence change affects a donor splice site in intron 39 of the POLE gene. It is expected to disrupt RNA splicing. Variants that disrupt the donor or acceptor splice site typically lead to a loss of protein function (PMID: 16199547), and loss-of-function variants in POLE are known to be pathogenic (PMID: 23230001, 25948378, 30503519). This variant is present in population databases (rs747165215, gnomAD 0.003%). Disruption of this splice site has been observed in individual(s) with ovarian cancer (PMID: 32885271). ClinVar contains an entry for this variant (Variation ID: 560846). Studies have shown that disruption of this splice site is associated with inconclusive levels of altered splicing (internal data). In summary, the currently available evidence indicates that the variant is pathogenic, but additional data are needed to prove that conclusively. Therefore, this variant has been classified as Likely Pathogenic.

Ambry Genetics
Classification: Uncertain significance for Hereditary cancer-predisposing syndrome. Last evaluated: 2024-12-28. Review status: criteria provided, single submitter. Criteria: Ambry Variant Classification Scheme 2023. Collection method: clinical testing. Allele origin: germline.
Comment: The c.5378+1G>T intronic variant results from a G to T substitution one nucleotide after coding exon 39 of the POLE gene. Alterations that disrupt the canonical splice site are expected to result in aberrant splicing. In silico splice site analysis predicts that this alteration will weaken the native splice donor site; however, direct evidence is insufficient at this time (Ambry internal data). The resulting transcript is predicted to be in-frame and is not expected to trigger nonsense-mediated mRNA decay; although, direct evidence is unavailable. This nucleotide position is highly conserved in available vertebrate species. Based on the available evidence, the clinical significance of this variant remains unclear.

PreventionGenetics, part of Exact Sciences
Classification: Uncertain significance. Last evaluated: 2017-12-13. Review status: criteria provided, single submitter. Criteria: ACMG Guidelines, 2015. Collection method: clinical testing. Allele origin: germline.

Literature cited by the submitters: PubMed 16199547 (cited by Labcorp Genetics (formerly Invitae), Labcorp); PubMed 23230001 (cited by Labcorp Genetics (formerly Invitae), Labcorp); PubMed 25948378 (cited by Labcorp Genetics (formerly Invitae), Labcorp); PubMed 30503519 (cited by Labcorp Genetics (formerly Invitae), Labcorp); PubMed 32885271 (cited by Labcorp Genetics (formerly Invitae), Labcorp).